The following is an entry in ClinVar:

NM_023036.6(DNAI2):c.1132A>T (p.Lys378Ter)

Gene: DNAI2 (dynein axonemal intermediate chain 2; plus strand). Cytogenetic location: 17q25.1.
Variant type: single nucleotide variant.
Coding change: c.1132A>T on transcript NM_023036.6 (MANE Select); coding-DNA position 1132, A replaced by T.
Protein change: p.Lys378Ter; replaces lysine 378 with a stop codon.
Molecular consequence: nonsense. On other transcripts: non-coding transcript variant (1).
Genome position (GRCh38, 1-based): chr17:74,305,363, A>T. VCF-style: chr17-74305363-A-T. GRCh37 (hg19) VCF-style: chr17-72301502-A-T.
Other names: c.1132A>T, p.Lys378Ter (NM_001172810.3, NM_001353167.2); short protein forms K378*.
Identifiers: ClinVar variation 661289 (VCV000661289.8), dbSNP rs1598330492, ClinGen allele CA400910235.
Genomic context (GRCh38, chr17:74,305,363, plus strand): 5'-TGCACCTTCCCGGGCCATCATGGCCCCATCTACGCCCTCCAGAGAAACCCCTTCTACCCG[A>T]AGAACTTCCTGACGGTTGGCGACTGGACAGCCCGCATTTGGTCTGAAGACAGCCGGGAAT-3'

ClinVar aggregate classification (germline): Pathogenic. Review status: criteria provided, multiple submitters, no conflicts (2 of 4 stars). 2 submissions from 2 submitters: Pathogenic (2). Last evaluated 2024-05-08.

Conditions:
Primary ciliary dyskinesia. Also called: Ciliary dyskinesia. Identifiers: Orphanet 244, MedGen C0008780, MONDO:0016575, HP:0012265.
Primary ciliary dyskinesia 9. Also called: CILIARY DYSKINESIA, PRIMARY, 9, WITH OR WITHOUT SITUS INVERSUS. Identifiers: Orphanet 244, MedGen C2676235, MONDO:0012906, OMIM 612444.

Allele frequency attached by ClinVar (database versions not stated): gnomAD exomes below 0.00001.
gnomAD v4.1: 2 of 1,614,148 alleles (0.00012%); highest among the groups gnomAD compares: Non-Finnish European, 0.00017%; no homozygotes.

Submissions (2):

Myriad Genetics, Inc.
Classification: Pathogenic for Primary ciliary dyskinesia 9. Last evaluated: 2024-05-08. Review status: criteria provided, single submitter. Criteria: Myriad Autosomal Dominant, Autosomal Recessive and X-Linked Classification Criteria (2023). Collection method: clinical testing. Allele origin: unknown.
Comment: NM_023036.4(DNAI2):c.1132A>T(K378*) is expected to be pathogenic in the context of primary ciliary dyskinesia, DNAI2-related. This variant is predicted to lead to an abnormal or absent protein product due to the creation of a premature termination codon in DNAI2, a gene where loss-of-function variants are known to be pathogenic. Please note: this variant was assessed in the context of healthy population screening.

Labcorp Genetics (formerly Invitae), Labcorp
Classification: Pathogenic for Primary ciliary dyskinesia. Last evaluated: 2018-11-15. Review status: criteria provided, single submitter. Criteria: Invitae Variant Classification Sherloc (09022015). Collection method: clinical testing. Allele origin: germline.
Comment: For these reasons, this variant has been classified as Pathogenic. Loss-of-function variants in DNAI2 are known to be pathogenic (PMID: 18950741). This variant has not been reported in the literature in individuals with DNAI2-related disease. This variant is not present in population databases (ExAC no frequency). This sequence change creates a premature translational stop signal (p.Lys378*) in the DNAI2 gene. It is expected to result in an absent or disrupted protein product.

Literature cited by the submitters: PubMed 18950741 (cited by Labcorp Genetics (formerly Invitae), Labcorp).